The following is an entry in ClinVar:

ClinVar aggregate classification (germline): Pathogenic. Review status: criteria provided, multiple submitters, no conflicts (2 of 4 stars). 3 submissions from 3 submitters: Pathogenic (2). 1 of the submissions does not count toward it. Last evaluated 2023-08-02.

Conditions:
Retinal dystrophy. Also called: Inherited retinal dystrophy. Identifiers: Orphanet 71862, MedGen C0854723, MeSH D058499, MONDO:0019118, HP:0000556.

Submissions (3):

Labcorp Genetics (formerly Invitae), Labcorp
Classification: Pathogenic. Last evaluated: 2023-08-02. Review status: criteria provided, single submitter. Criteria: Invitae Variant Classification Sherloc (09022015). Collection method: clinical testing. Allele origin: germline.
Comment: For these reasons, this variant has been classified as Pathogenic. This variant disrupts a region of the RS1 protein in which other variant(s) (p.Cys223Tyr) have been determined to be pathogenic (PMID: 20061330, 22245991). This suggests that this is a clinically significant region of the protein, and that variants that disrupt it are likely to be disease-causing. ClinVar contains an entry for this variant (Variation ID: 99003). This premature translational stop signal has been observed in individual(s) with X-linked retinoschisis (PMID: 9618178). This variant is not present in population databases (gnomAD no frequency). This sequence change creates a premature translational stop signal (p.Trp206*) in the RS1 gene. While this is not anticipated to result in nonsense mediated decay, it is expected to disrupt the last 19 amino acid(s) of the RS1 protein.

Institute of Human Genetics, Univ. Regensburg, Univ. Regensburg
Classification: Pathogenic for Retinal dystrophy. Last evaluated: 2015-01-01. Review status: criteria provided, single submitter. Criteria: ACMG Guidelines, 2015. Collection method: clinical testing. Allele origin: germline. Affected: yes.

Retina International
No classification provided. Review status: no classification provided. Collection method: not provided. Allele origin: unknown. Not counted in ClinVar's aggregate classification.

Literature cited by the submitters: PubMed 20061330 (cited by Labcorp Genetics (formerly Invitae), Labcorp); PubMed 22245991 (cited by Labcorp Genetics (formerly Invitae), Labcorp); PubMed 9618178 (cited by Labcorp Genetics (formerly Invitae), Labcorp and Institute of Human Genetics, Univ. Regensburg, Univ. Regensburg).

NM_000330.4(RS1):c.618G>A (p.Trp206Ter)

Genes: CDKL5 (cyclin dependent kinase like 5; plus strand), RS1 (retinoschisin 1; minus strand). Cytogenetic location: Xp22.13.
Variant type: single nucleotide variant.
Coding change: c.618G>A on transcript NM_000330.4 (MANE Select); coding-DNA position 618, G replaced by A.
Protein change: p.Trp206Ter; replaces tryptophan 206 with a stop codon.
Molecular consequence: nonsense. On other transcripts: intron variant (2).
Genome position (GRCh38, 1-based): chrX:18,642,061, C>T on the plus strand (G>A on the coding strand, the complement: RS1 is on the minus strand). VCF-style: chrX-18642061-C-T. GRCh37 (hg19) VCF-style: chrX-18660181-C-T.
Other names: c.2714-3946C>T (NM_003159.3, NM_001037343.2); short protein forms W206*.
Identifiers: ClinVar variation 99003 (VCV000099003.7), dbSNP rs281865359, ClinGen allele CA226815.